The following is an entry in ClinVar:

ClinVar aggregate classification (germline): Uncertain significance. Review status: criteria provided, multiple submitters, no conflicts (2 of 4 stars). 2 submissions from 2 submitters: Uncertain significance (2). Last evaluated 2026-06-05.

Conditions:
COL6A2-related disorder.
Bethlem myopathy 1A. Also called: MYOPATHY, BENIGN CONGENITAL, WITH CONTRACTURES; Bethlem myopathy 1; Bethlem Muscular Dystrophy. Identifiers: Orphanet 610, MedGen CN029274, MONDO:0024530, OMIM 158810.

gnomAD v4.1: 3 of 1,607,308 alleles (0.00019%); highest among the groups gnomAD compares: Non-Finnish European, 0.00025%; no homozygotes.

Submissions (2):

PreventionGenetics, part of Exact Sciences
Classification: Uncertain significance for COL6A2-related condition. Last evaluated: 2026-06-05. Review status: criteria provided, single submitter. Criteria: ACMG Guidelines, 2015. Collection method: clinical testing. Allele origin: germline.
Comment: The COL6A2 c.2825T>C variant is predicted to result in the amino acid substitution p.Leu942Pro. To our knowledge, this variant has not been reported in the literature or in a large population database (gnomAD), indicating this variant is rare. At this time, the clinical significance of this variant is uncertain due to the absence of conclusive functional and genetic evidence.

Labcorp Genetics (formerly Invitae), Labcorp
Classification: Uncertain significance for Bethlem myopathy 1A. Last evaluated: 2024-08-14. Review status: criteria provided, single submitter. Criteria: Invitae Variant Classification Sherloc (09022015). Collection method: clinical testing. Allele origin: germline.
Comment: This sequence change replaces leucine, which is neutral and non-polar, with proline, which is neutral and non-polar, at codon 942 of the COL6A2 protein (p.Leu942Pro). This variant is not present in population databases (gnomAD no frequency). This variant has not been reported in the literature in individuals affected with COL6A2-related conditions. Invitae Evidence Modeling of protein sequence and biophysical properties (such as structural, functional, and spatial information, amino acid conservation, physicochemical variation, residue mobility, and thermodynamic stability) indicates that this missense variant is not expected to disrupt COL6A2 protein function with a negative predictive value of 80%. In summary, the available evidence is currently insufficient to determine the role of this variant in disease. Therefore, it has been classified as a Variant of Uncertain Significance.

NM_001849.4(COL6A2):c.2825T>C (p.Leu942Pro)

Gene: COL6A2 (collagen type VI alpha 2 chain; plus strand). Cytogenetic location: 21q22.3.
Variant type: single nucleotide variant.
Coding change: c.2825T>C on transcript NM_001849.4 (MANE Select); coding-DNA position 2825, T replaced by C.
Protein change: p.Leu942Pro; replaces leucine 942 with proline.
Molecular consequence: missense variant.
Genome position (GRCh38, 1-based): chr21:46,132,317, T>C. VCF-style: chr21-46132317-T-C. GRCh37 (hg19) VCF-style: chr21-47552231-T-C.
Other names: short protein forms L942P.
Identifiers: ClinVar variation 3719179 (VCV003719179.3).
Genomic context (GRCh38, chr21:46,132,317, plus strand): 5'-TGCACGCCATCAATGCCATCGTGCGCAGCCCGCGTGGCGGGGCCCGGAGGCACGCAGAGC[T>C]GTCCTTCGTGTTCCTCACGGACGGCGTCACGGGCAACGACAGTCTGCACGAGTCGGCGCA-3'
Protein context (NP_001840.3, residues 932-952): PRGGARRHAE[Leu942Pro]SFVFLTDGVT